The following is an entry in ClinVar:

NC_000005.9:g.(?_64064974)_(64314148_?)dup

Gene: CWC27 (CWC27 spliceosome associated cyclophilin; plus strand). Cytogenetic location: 5q12.3.
Variant type: Duplication.
Identifiers: ClinVar variation 1449510 (VCV001449510.5).

ClinVar aggregate classification (germline): Uncertain significance (1 of 4 stars; one submission).

Submission:

Labcorp Genetics (formerly Invitae), Labcorp
Classification: Uncertain significance. Last evaluated: 2023-11-06. Review status: criteria provided, single submitter. Criteria: Invitae Variant Classification Sherloc (09022015). Collection method: clinical testing. Allele origin: germline.
Comment: A copy number gain of the genomic region encompassing the full coding sequence of the CWC27 gene has been identified. The boundaries of this event are unknown as they extend beyond the assayed region for this gene and therefore may encompass additional genes. As the precise location of this event is unknown, it may be in tandem or it may be located elsewhere in the genome. This variant has not been reported in the literature in individuals affected with CWC27-related conditions. In summary, the available evidence is currently insufficient to determine the role of this variant in disease. Therefore, it has been classified as a Variant of Uncertain Significance.